The following is an entry in ClinVar:

ClinVar aggregate classification (germline): Uncertain significance. Review status: criteria provided, multiple submitters, no conflicts (2 of 4 stars). 2 submissions from 2 submitters: Uncertain significance (2). Last evaluated 2025-04-09.

Conditions:
Developmental and epileptic encephalopathy, 23 (DEE23). Also called: Epileptic encephalopathy, early infantile, 23. Identifiers: Orphanet 411986, MedGen C4014492, MONDO:0014371, OMIM 615859.
Inborn genetic diseases. Identifiers: MedGen C0950123, MeSH D030342.

Allele frequency attached by ClinVar (database versions not stated): ExAC 0.00001; ESP Exome Variant Server 0.00008.
gnomAD v4.1: 17 of 1,613,638 alleles (0.0011%); highest among the groups gnomAD compares: East Asian, 0.0022%; no homozygotes.

Submissions (2):

Ambry Genetics
Classification: Uncertain significance for Inborn genetic diseases. Last evaluated: 2025-04-09. Review status: criteria provided, single submitter. Criteria: Ambry Variant Classification Scheme 2023. Collection method: clinical testing. Allele origin: germline.

Labcorp Genetics (formerly Invitae), Labcorp
Classification: Uncertain significance for Developmental and epileptic encephalopathy, 23. Last evaluated: 2024-02-12. Review status: criteria provided, single submitter. Criteria: Invitae Variant Classification Sherloc (09022015). Collection method: clinical testing. Allele origin: germline.
Comment: This sequence change replaces threonine, which is neutral and polar, with isoleucine, which is neutral and non-polar, at codon 451 of the DOCK7 protein (p.Thr451Ile). This variant is present in population databases (rs370285185, gnomAD 0.0009%). This variant has not been reported in the literature in individuals affected with DOCK7-related conditions. ClinVar contains an entry for this variant (Variation ID: 1003592). Advanced modeling of protein sequence and biophysical properties (such as structural, functional, and spatial information, amino acid conservation, physicochemical variation, residue mobility, and thermodynamic stability) performed at Invitae indicates that this missense variant is not expected to disrupt DOCK7 protein function with a negative predictive value of 80%. In summary, the available evidence is currently insufficient to determine the role of this variant in disease. Therefore, it has been classified as a Variant of Uncertain Significance.

NM_001367561.1(DOCK7):c.1352C>T (p.Thr451Ile)

Gene: DOCK7 (dedicator of cytokinesis 7; minus strand). Cytogenetic location: 1p31.3.
Variant type: single nucleotide variant.
Coding change: c.1352C>T on transcript NM_001367561.1 (MANE Select); coding-DNA position 1352, C replaced by T.
Protein change: p.Thr451Ile; replaces threonine 451 with isoleucine.
Molecular consequence: missense variant.
Genome position (GRCh38, 1-based): chr1:62,625,332, G>A on the plus strand (C>T on the coding strand, the complement: DOCK7 is on the minus strand). VCF-style: chr1-62625332-G-A. GRCh37 (hg19) VCF-style: chr1-63091003-G-A.
Other names: c.1352C>T, p.Thr451Ile (NM_001271999.2, NM_001272000.2, NM_001272001.2 and 3 more transcripts); c.1352C>T (NM_033407.2); short protein forms T451I.
Identifiers: ClinVar variation 1003592 (VCV001003592.13), dbSNP rs370285185, ClinGen allele CA886975.